The following is an entry in ClinVar:

NM_052947.4(ALPK2):c.1258C>T (p.His420Tyr)

Gene: ALPK2 (alpha kinase 2; minus strand). Cytogenetic location: 18q21.31.
Variant type: single nucleotide variant.
Coding change: c.1258C>T on transcript NM_052947.4 (MANE Select); coding-DNA position 1258, C replaced by T.
Protein change: p.His420Tyr; replaces histidine 420 with tyrosine.
Molecular consequence: missense variant.
Genome position (GRCh38, 1-based): chr18:58,579,518, G>A on the plus strand (C>T on the coding strand, the complement: ALPK2 is on the minus strand). VCF-style: chr18-58579518-G-A. GRCh37 (hg19) VCF-style: chr18-56246750-G-A.
Other names: short protein forms H420Y.
Identifiers: ClinVar variation 1762320 (VCV001762320.2), dbSNP rs759098672, ClinGen allele CA8977289.
Genomic context (GRCh38, chr18:58,579,518, plus strand): 5'-TTCCATCCTGGTGAGGTCCCAAAATGAGAGTCATCCCTGTTTGTGGGGATGAGGGACCGT[G>A]CTTGGAGACTCTGCTGCTCCTCACCCCAACTTCTTGGGGTTGTGAGTGATGACCACAGAA-3'
Protein context (NP_443179.3, residues 410-430): VGVRSSRVSK[His420Tyr]GPSSPQTGMT

ClinVar aggregate classification (germline): Uncertain significance (1 of 4 stars; one submission).

Allele frequency attached by ClinVar (database versions not stated): ExAC 0.00001; gnomAD 0.00001; gnomAD exomes 0.00001.
gnomAD v4.1: 17 of 1,613,794 alleles (0.0011%); highest among the groups gnomAD compares: Non-Finnish European, 0.0014%; no homozygotes.

Submission:

Ambry Genetics
Classification: Uncertain significance. Last evaluated: 2023-09-22. Review status: criteria provided, single submitter. Criteria: Ambry Variant Classification Scheme 2023. Collection method: clinical testing. Allele origin: germline.
Comment: The p.H420Y variant (also known as c.1258C>T), located in coding exon 3 of the ALPK2 gene, results from a C to T substitution at nucleotide position 1258. The histidine at codon 420 is replaced by tyrosine, an amino acid with similar properties. This amino acid position is conserved. In addition, this alteration is predicted to be tolerated by in silico analysis. Since supporting evidence is limited at this time, the clinical significance of this alteration remains unclear.